The following is an entry in ClinVar:

NM_021614.4(KCNN2):c.758G>A (p.Gly253Glu)

Gene: KCNN2 (potassium calcium-activated channel subfamily N member 2; plus strand). Cytogenetic location: 5q22.3.
Variant type: single nucleotide variant.
Coding change: c.758G>A on transcript NM_021614.4 (MANE Select); coding-DNA position 758, G replaced by A.
Protein change: p.Gly253Glu; replaces glycine 253 with glutamic acid.
Molecular consequence: missense variant. On other transcripts: non-coding transcript variant (1).
Genome position (GRCh38, 1-based): chr5:114,362,897, G>A. VCF-style: chr5-114362897-G-A. GRCh37 (hg19) VCF-style: chr5-113698594-G-A.
Other names: c.956G>A, p.Gly319Glu (NM_001372233.1); short protein forms G253E, G319E.
Identifiers: ClinVar variation 5016906 (VCV005016906.1).

ClinVar aggregate classification (germline): Uncertain significance (1 of 4 stars; one submission).

gnomAD v4.1: 2 of 1,595,770 alleles (0.00013%); highest among the groups gnomAD compares: South Asian, 0.0022%; no homozygotes.

Submission:

GeneDx
Classification: Uncertain significance. Last evaluated: 2026-03-09. Review status: criteria provided, single submitter. Criteria: GeneDx Variant Classification Process June 2021. Collection method: clinical testing. Allele origin: germline.
Comment: Not observed at significant frequency in large population cohorts (gnomAD); In silico analysis suggests that this missense variant does not alter protein structure/function; Has not been previously published as pathogenic or benign to our knowledge